The following is an entry in ClinVar:

ClinVar aggregate classification (germline): Uncertain significance (1 of 4 stars; one submission).

Submissions (2):

Labcorp Genetics (formerly Invitae), Labcorp
Classification: Uncertain significance. Last evaluated: 2021-08-19. Review status: criteria provided, single submitter. Criteria: Invitae Variant Classification Sherloc (09022015). Collection method: clinical testing. Allele origin: germline.
Comment: This sequence change affects codon 569 of the STAG2 mRNA. It is a 'silent' change, meaning that it does not change the encoded amino acid sequence of the STAG2 protein. This variant is not present in population databases (ExAC no frequency). This variant has not been reported in the literature in individuals affected with STAG2-related conditions. Algorithms developed to predict the effect of sequence changes on RNA splicing suggest that this variant may create or strengthen a splice site. In summary, the available evidence is currently insufficient to determine the role of this variant in disease. Therefore, it has been classified as a Variant of Uncertain Significance.

Dr. Peter K. Rogan Lab, Western University
No classification provided (evidence only). Condition: Thyroid cancer, nonmedullary, 1. Review status: no classification provided. Collection method: in vitro. Allele origin: not applicable. Functional consequence: retained intron. Not counted in ClinVar's aggregate classification.

NM_001042750.2(STAG2):c.1707G>A (p.Val569=)

Gene: STAG2 (STAG2 cohesin complex component; plus strand). Cytogenetic location: Xq25.
Variant type: single nucleotide variant.
Coding change: c.1707G>A on transcript NM_001042750.2 (MANE Select); coding-DNA position 1707, G replaced by A.
Protein change: p.Val569=; no amino-acid change (valine 569 retained).
Molecular consequence: synonymous variant.
Genome position (GRCh38, 1-based): chrX:124,062,970, G>A. VCF-style: chrX-124062970-G-A. GRCh37 (hg19) VCF-style: chrX-123196820-G-A.
Other names: c.1707G>A, p.Val569= (NM_001042749.2, NM_001042751.2, NM_001282418.2 and 13 more transcripts).
Identifiers: ClinVar variation 1376117 (VCV001376117.2), dbSNP rs2148319872, ClinGen allele CA518174049.